The following is an entry in ClinVar:

ClinVar aggregate classification (germline): Uncertain significance (1 of 4 stars; one submission).

Conditions:
Emery-Dreifuss muscular dystrophy 5, autosomal dominant (EDMD5). Also called: EMERY-DREIFUSS MUSCULAR DYSTROPHY 5. Identifiers: Orphanet 261, MedGen C2751805, MONDO:0013072, OMIM 612999.

Submission:

Labcorp Genetics (formerly Invitae), Labcorp
Classification: Uncertain significance for Emery-Dreifuss muscular dystrophy 5, autosomal dominant. Last evaluated: 2024-12-11. Review status: criteria provided, single submitter. Criteria: Invitae Variant Classification Sherloc (09022015). Collection method: clinical testing. Allele origin: germline.
Comment: This sequence change replaces histidine, which is basic and polar, with tyrosine, which is neutral and polar, at codon 2894 of the SYNE2 protein (p.His2894Tyr). This variant is not present in population databases (gnomAD no frequency). This variant has not been reported in the literature in individuals affected with SYNE2-related conditions. An algorithm developed to predict the effect of missense changes on protein structure and function outputs the following: PolyPhen-2: "Benign". The tyrosine amino acid residue is found in multiple mammalian species, which suggests that this missense change does not adversely affect protein function. In summary, the available evidence is currently insufficient to determine the role of this variant in disease. Therefore, it has been classified as a Variant of Uncertain Significance.

NM_182914.3(SYNE2):c.8680C>T (p.His2894Tyr)

Gene: SYNE2 (spectrin repeat containing nuclear envelope protein 2; plus strand). Cytogenetic location: 14q23.2.
Variant type: single nucleotide variant.
Coding change: c.8680C>T on transcript NM_182914.3 (MANE Select); coding-DNA position 8680, C replaced by T.
Protein change: p.His2894Tyr; replaces histidine 2894 with tyrosine.
Molecular consequence: missense variant.
Genome position (GRCh38, 1-based): chr14:64,052,593, C>T. VCF-style: chr14-64052593-C-T. GRCh37 (hg19) VCF-style: chr14-64519311-C-T.
Other names: c.8680C>T, p.His2894Tyr (NM_015180.6); short protein forms H2894Y.
Identifiers: ClinVar variation 3663231 (VCV003663231.2).
Genomic context (GRCh38, chr14:64,052,593, plus strand): 5'-CATGTTACTTTGGAGGCATCTCAGAAGGAATTGCAAGAAATTGACAGTGGAATCTCAACA[C>T]ATCTTCAGGAGCTAACAAACATCTATGAGGAGCTGAATGTGTTTGAAAGATTATTTCTGG-3'
Protein context (NP_878918.2, residues 2884-2904): LQEIDSGIST[His2894Tyr]LQELTNIYEE